The following is an entry in ClinVar:

NM_017841.4(SDHAF2):c.247T>G (p.Cys83Gly)

Gene: SDHAF2 (succinate dehydrogenase complex assembly factor 2; plus strand). Cytogenetic location: 11q12.2.
Variant type: single nucleotide variant.
Coding change: c.247T>G on transcript NM_017841.4 (MANE Select); coding-DNA position 247, T replaced by G.
Protein change: p.Cys83Gly; replaces cysteine 83 with glycine.
Molecular consequence: missense variant.
Genome position (GRCh38, 1-based): chr11:61,437,835, T>G. VCF-style: chr11-61437835-T-G. GRCh37 (hg19) VCF-style: chr11-61205307-T-G.
Other names: short protein forms C83G.
Identifiers: ClinVar variation 2624878 (VCV002624878.5), dbSNP rs1862012757, ClinGen allele CA380683878.

ClinVar aggregate classification (germline): Uncertain significance. Review status: criteria provided, multiple submitters, no conflicts (2 of 4 stars). 2 submissions from 2 submitters: Uncertain significance (2). Last evaluated 2024-05-25.

Conditions:
Hereditary cancer-predisposing syndrome. Also called: Neoplastic Syndromes, Hereditary; Tumor predisposition; Hereditary Cancer Syndrome; Hereditary neoplastic syndrome. Identifiers: Orphanet 140162, MedGen C0027672, MeSH D009386, MONDO:0015356.
Hereditary pheochromocytoma and paraganglioma. Also called: Hereditary paragangliomas and pheochromocytomas; Hereditary Paraganglioma-Pheochromocytoma Syndromes; Hereditary pheochromocytoma-paraganglioma. Identifiers: Orphanet 29072, MedGen C4274332, MONDO:0017366.

Submissions (2):

Labcorp Genetics (formerly Invitae), Labcorp
Classification: Uncertain significance for Hereditary pheochromocytoma and paraganglioma. Last evaluated: 2024-05-25. Review status: criteria provided, single submitter. Criteria: Invitae Variant Classification Sherloc (09022015). Collection method: clinical testing. Allele origin: germline.
Comment: This sequence change replaces cysteine, which is neutral and slightly polar, with glycine, which is neutral and non-polar, at codon 83 of the SDHAF2 protein (p.Cys83Gly). This variant is not present in population databases (gnomAD no frequency). This variant has not been reported in the literature in individuals affected with SDHAF2-related conditions. ClinVar contains an entry for this variant (Variation ID: 2624878). An algorithm developed to predict the effect of missense changes on protein structure and function (PolyPhen-2) suggests that this variant is likely to be tolerated. In summary, the available evidence is currently insufficient to determine the role of this variant in disease. Therefore, it has been classified as a Variant of Uncertain Significance.

Ambry Genetics
Classification: Uncertain significance for Hereditary cancer-predisposing syndrome. Last evaluated: 2023-06-16. Review status: criteria provided, single submitter. Criteria: Ambry Variant Classification Scheme 2023. Collection method: clinical testing. Allele origin: germline.
Comment: The p.C83G variant (also known as c.247T>G), located in coding exon 2 of the SDHAF2 gene, results from a T to G substitution at nucleotide position 247. The cysteine at codon 83 is replaced by glycine, an amino acid with highly dissimilar properties. This amino acid position is conserved. In addition, this alteration is predicted to be deleterious by in silico analysis. Since supporting evidence is limited at this time, the clinical significance of this alteration remains unclear.